The following is an entry in ClinVar:

NM_000256.3(MYBPC3):c.3022A>T (p.Thr1008Ser)

Gene: MYBPC3 (myosin binding protein C3; minus strand). Cytogenetic location: 11p11.2.
Variant type: single nucleotide variant.
Coding change: c.3022A>T on transcript NM_000256.3 (MANE Select); coding-DNA position 3022, A replaced by T.
Protein change: p.Thr1008Ser; replaces threonine 1008 with serine.
Molecular consequence: missense variant.
Genome position (GRCh38, 1-based): chr11:47,333,725, T>A on the plus strand (A>T on the coding strand, the complement: MYBPC3 is on the minus strand). VCF-style: chr11-47333725-T-A. GRCh37 (hg19) VCF-style: chr11-47355276-T-A.
Other names: short protein forms T1008S.
Identifiers: ClinVar variation 2015878 (VCV002015878.4), dbSNP rs1184764743, ClinGen allele CA380315612.

ClinVar aggregate classification (germline): Uncertain significance (1 of 4 stars; one submission).

Conditions:
Hypertrophic cardiomyopathy. Also called: HYPERTROPHIC MYOCARDIOPATHY. Identifiers: Orphanet 217569, MedGen C0007194, MeSH D002312, MONDO:0005045, HP:0001639.

Submission:

Labcorp Genetics (formerly Invitae), Labcorp
Classification: Uncertain significance for Hypertrophic cardiomyopathy. Last evaluated: 2024-04-22. Review status: criteria provided, single submitter. Criteria: Invitae Variant Classification Sherloc (09022015). Collection method: clinical testing. Allele origin: germline.
Comment: This sequence change replaces threonine, which is neutral and polar, with serine, which is neutral and polar, at codon 1008 of the MYBPC3 protein (p.Thr1008Ser). This variant is not present in population databases (gnomAD no frequency). This variant has not been reported in the literature in individuals affected with MYBPC3-related conditions. ClinVar contains an entry for this variant (Variation ID: 2015878). An algorithm developed to predict the effect of missense changes on protein structure and function (PolyPhen-2) suggests that this variant is likely to be tolerated. In summary, the available evidence is currently insufficient to determine the role of this variant in disease. Therefore, it has been classified as a Variant of Uncertain Significance.